The following is an entry in ClinVar:

ClinVar aggregate classification (germline): Uncertain significance (1 of 4 stars; one submission).

Submission:

Ambry Genetics
Classification: Uncertain significance. Last evaluated: 2024-04-27. Review status: criteria provided, single submitter. Criteria: Ambry Variant Classification Scheme 2023. Collection method: clinical testing. Allele origin: germline.
Comment: The p.G1312D variant (also known as c.3935G>A), located in coding exon 16 of the POLQ gene, results from a G to A substitution at nucleotide position 3935. The glycine at codon 1312 is replaced by aspartic acid, an amino acid with similar properties. This amino acid position is conserved. In addition, this alteration is predicted to be tolerated by in silico analysis. Based on the available evidence, the clinical significance of this variant remains unclear.

NM_199420.4(POLQ):c.3935G>A (p.Gly1312Asp)

Gene: POLQ (DNA polymerase theta; minus strand). Cytogenetic location: 3q13.33.
Variant type: single nucleotide variant.
Coding change: c.3935G>A on transcript NM_199420.4 (MANE Select); coding-DNA position 3935, G replaced by A.
Protein change: p.Gly1312Asp; replaces glycine 1312 with aspartic acid.
Molecular consequence: missense variant.
Genome position (GRCh38, 1-based): chr3:121,488,996, C>T on the plus strand (G>A on the coding strand, the complement: POLQ is on the minus strand). VCF-style: chr3-121488996-C-T. GRCh37 (hg19) VCF-style: chr3-121207843-C-T.
Other names: short protein forms G1312D.
Identifiers: ClinVar variation 3308656 (VCV003308656.1).